The following is an entry in ClinVar:

NM_013391.3(DMGDH):c.183T>C (p.Gly61=)

Gene: DMGDH (dimethylglycine dehydrogenase; minus strand). Cytogenetic location: 5q14.1.
Variant type: single nucleotide variant.
Coding change: c.183T>C on transcript NM_013391.3 (MANE Select); coding-DNA position 183, T replaced by C.
Protein change: p.Gly61=; no amino-acid change (glycine 61 retained).
Molecular consequence: synonymous variant. On other transcripts: non-coding transcript variant (2).
Genome position (GRCh38, 1-based): chr5:79,063,706, A>G on the plus strand (T>C on the coding strand, the complement: DMGDH is on the minus strand). VCF-style: chr5-79063706-A-G. GRCh37 (hg19) VCF-style: chr5-78359529-A-G.
Identifiers: ClinVar variation 681469 (VCV000681469.1), dbSNP rs1259445629, ClinGen allele CA445111913.

ClinVar aggregate classification (germline): Likely benign (1 of 4 stars; one submission).

Allele frequency attached by ClinVar (database versions not stated): gnomAD exomes below 0.00001; TOPMed below 0.00001.
gnomAD v4.1: 1 of 1,614,210 alleles (0.000062%); highest among the groups gnomAD compares: African/African-American, 0.0013%; no homozygotes.

Submission:

GeneDx
Classification: Likely benign. Last evaluated: 2018-04-19. Review status: criteria provided, single submitter. Criteria: GeneDx Variant Classification (06012015). Collection method: clinical testing. Allele origin: germline. Affected: yes.
Comment: This variant is considered likely benign or benign based on one or more of the following criteria: it is a conservative change, it occurs at a poorly conserved position in the protein, it is predicted to be benign by multiple in silico algorithms, and/or has population frequency not consistent with disease.